The following is an entry in ClinVar:

NM_177438.3(DICER1):c.4162A>G (p.Asn1388Asp)

Gene: DICER1 (dicer 1, ribonuclease III; minus strand). Cytogenetic location: 14q32.13.
Variant type: single nucleotide variant.
Coding change: c.4162A>G on transcript NM_177438.3 (MANE Select); coding-DNA position 4162, A replaced by G.
Protein change: p.Asn1388Asp; replaces asparagine 1388 with aspartic acid.
Molecular consequence: missense variant.
Genome position (GRCh38, 1-based): chr14:95,099,824, T>C on the plus strand (A>G on the coding strand, the complement: DICER1 is on the minus strand). VCF-style: chr14-95099824-T-C. GRCh37 (hg19) VCF-style: chr14-95566161-T-C.
Other names: c.4162A>G, p.Asn1388Asp (NM_001195573.1, NM_001271282.3, NM_001291628.2 and 1 more transcripts); short protein forms N1388D.
Identifiers: ClinVar variation 483429 (VCV000483429.5), dbSNP rs1555368569, ClinGen allele CA390871875.

ClinVar aggregate classification (germline): Uncertain significance (1 of 4 stars; one submission).

Conditions:
Hereditary cancer-predisposing syndrome. Also called: Neoplastic Syndromes, Hereditary; Tumor predisposition; Hereditary Cancer Syndrome; Hereditary neoplastic syndrome. Identifiers: Orphanet 140162, MedGen C0027672, MeSH D009386, MONDO:0015356.

Allele frequency attached by ClinVar (database versions not stated): gnomAD exomes below 0.00001.
gnomAD v4.1: 1 of 1,613,970 alleles (0.000062%); highest among the groups gnomAD compares: Non-Finnish European, 0.000085%; no homozygotes.

Submission:

Ambry Genetics
Classification: Uncertain significance for Hereditary cancer-predisposing syndrome. Last evaluated: 2020-02-19. Review status: criteria provided, single submitter. Criteria: Ambry Variant Classification Scheme 2023. Collection method: clinical testing. Allele origin: germline.
Comment: The p.N1388D variant (also known as c.4162A>G), located in coding exon 21 of the DICER1 gene, results from an A to G substitution at nucleotide position 4162. The asparagine at codon 1388 is replaced by aspartic acid, an amino acid with highly similar properties. This amino acid position is highly conserved in available vertebrate species. In addition, this alteration is predicted to be tolerated by in silico analysis. Since supporting evidence is limited at this time, the clinical significance of this alteration remains unclear.